The following is an entry in ClinVar:

ClinVar aggregate classification (germline): Uncertain significance (1 of 4 stars; one submission).

Submission:

Labcorp Genetics (formerly Invitae), Labcorp
Classification: Uncertain significance. Last evaluated: 2024-11-12. Review status: criteria provided, single submitter. Criteria: Invitae Variant Classification Sherloc (09022015). Collection method: clinical testing. Allele origin: germline.
Comment: This sequence change replaces lysine, which is basic and polar, with glutamic acid, which is acidic and polar, at codon 54 of the SMS protein (p.Lys54Glu). This variant is not present in population databases (gnomAD no frequency). This variant has not been reported in the literature in individuals affected with SMS-related conditions. An algorithm developed to predict the effect of missense changes on protein structure and function (PolyPhen-2) suggests that this variant is likely to be tolerated. In summary, the available evidence is currently insufficient to determine the role of this variant in disease. Therefore, it has been classified as a Variant of Uncertain Significance.

NM_004595.5(SMS):c.160A>G (p.Lys54Glu)

Gene: SMS (spermine synthase; plus strand). Cytogenetic location: Xp22.11.
Variant type: single nucleotide variant.
Coding change: c.160A>G on transcript NM_004595.5 (MANE Select); coding-DNA position 160, A replaced by G.
Protein change: p.Lys54Glu; replaces lysine 54 with glutamic acid.
Molecular consequence: missense variant.
Genome position (GRCh38, 1-based): chrX:21,967,306, A>G. VCF-style: chrX-21967306-A-G. GRCh37 (hg19) VCF-style: chrX-21985424-A-G.
Other names: c.160A>G, p.Lys54Glu (NM_001258423.2); short protein forms K54E.
Identifiers: ClinVar variation 3632753 (VCV003632753.2).